The following is an entry in ClinVar:

NM_000334.4(SCN4A):c.3218C>A (p.Thr1073Asn)

Genes: GH-LCR (growth hormone locus control region; plus strand), SCN4A (sodium voltage-gated channel alpha subunit 4; minus strand). Cytogenetic location: 17q23.3.
Variant type: single nucleotide variant.
Coding change: c.3218C>A on transcript NM_000334.4 (MANE Select); coding-DNA position 3218, C replaced by A.
Protein change: p.Thr1073Asn; replaces threonine 1073 with asparagine.
Molecular consequence: missense variant.
Genome position (GRCh38, 1-based): chr17:63,947,990, G>T on the plus strand (C>A on the coding strand, the complement: SCN4A is on the minus strand). VCF-style: chr17-63947990-G-T. GRCh37 (hg19) VCF-style: chr17-62025350-G-T.
Other names: short protein forms T1073N.
Identifiers: ClinVar variation 3015780 (VCV003015780.3), dbSNP rs756973068, ClinGen allele CA8709345.
Genomic context (GRCh38, chr17:63,947,990, plus strand): 5'-AAGTACACCTTAAAGCCGTAGGCCACCCATTTGAGCAGCATCTCCATGATGAAGATGTAG[G>T]TGAAGACCTTGTCGGCATATTCTAGGATGGTGCGAATGACTCGCCGCTGCTCAATGTAGA-3'
Protein context (NP_000325.4, residues 1063-1083): TILEYADKVF[Thr1073Asn]YIFIMEMLLK

ClinVar aggregate classification (germline): Uncertain significance (1 of 4 stars; one submission).

Conditions:
Hyperkalemic periodic paralysis. Also called: Familial hyperkalemic periodic paralysis; Gamstorp disease. Identifiers: Orphanet 682, MedGen C0238357, MONDO:0008224, OMIM 170500, HP:0007215.

Allele frequency attached by ClinVar (database versions not stated): gnomAD exomes below 0.00001; ExAC 0.00001.
gnomAD v4.1: 1 of 1,613,954 alleles (0.000062%); highest among the groups gnomAD compares: Non-Finnish European, 0.000085%; no homozygotes.

Submission:

Labcorp Genetics (formerly Invitae), Labcorp
Classification: Uncertain significance for Hyperkalemic periodic paralysis. Last evaluated: 2025-12-10. Review status: criteria provided, single submitter. Criteria: Invitae Variant Classification Sherloc (09022015). Collection method: clinical testing. Allele origin: germline.
Comment: This sequence change replaces threonine, which is neutral and polar, with asparagine, which is neutral and polar, at codon 1073 of the SCN4A protein (p.Thr1073Asn). This variant is present in population databases (rs756973068, gnomAD 0.0009%). This variant has not been reported in the literature in individuals affected with SCN4A-related conditions. ClinVar contains an entry for this variant (Variation ID: 3015780). Invitae Evidence Modeling of protein sequence and biophysical properties (such as structural, functional, and spatial information, amino acid conservation, physicochemical variation, residue mobility, and thermodynamic stability) indicates that this missense variant is expected to disrupt SCN4A protein function with a positive predictive value of 80%. In summary, the available evidence is currently insufficient to determine the role of this variant in disease. Therefore, it has been classified as a Variant of Uncertain Significance.